The following is an entry in ClinVar:

ClinVar aggregate classification (germline): Conflicting classifications of pathogenicity. Review status: criteria provided, conflicting classifications (1 of 4 stars). 9 submissions from 9 submitters: Uncertain significance (6); Benign (1); Likely benign (2). Last evaluated 2025-01-14.

Conditions:
Hereditary cancer-predisposing syndrome. Also called: Tumor predisposition; Hereditary Cancer Syndrome; Hereditary neoplastic syndrome; Neoplastic Syndromes, Hereditary. Identifiers: Orphanet 140162, MedGen C0027672, MeSH D009386, MONDO:0015356.
Hereditary breast ovarian cancer syndrome. Also called: Breast and ovarian cancer; Hereditary breast and ovarian cancer; Hereditary breast and/or ovarian cancer syndrome; BRCA1- and BRCA2-Associated Hereditary Breast and Ovarian Cancer; Hereditary breast and ovarian cancer syndrome (HBOC); Hereditary breast and ovarian cancer syndrome. Identifiers: Orphanet 145, MedGen C0677776, MeSH D061325, MONDO:0003582. Disease mechanism: loss of function.
Familial cancer of breast. Also called: BREAST CANCER, FAMILIAL; Hereditary breast cancer; hereditary breast carcinoma. Identifiers: Orphanet 227535, MedGen C0346153, MONDO:0016419, OMIM 114480. Disease mechanism: loss of function.

Allele frequency attached by ClinVar (database versions not stated): gnomAD 0.00001; gnomAD exomes 0.00001; ExAC 0.00002; TOPMed 0.00003.
gnomAD v4.1: 21 of 1,613,586 alleles (0.0013%); highest among the groups gnomAD compares: Admixed American, 0.0017%; no homozygotes.

Submissions (9):

Labcorp Genetics (formerly Invitae), Labcorp
Classification: Uncertain significance for Familial cancer of breast. Last evaluated: 2025-01-14. Review status: criteria provided, single submitter. Criteria: Invitae Variant Classification Sherloc (09022015). Collection method: clinical testing. Allele origin: germline.
Comment: This sequence change affects codon 155 of the BARD1 mRNA. It is a 'silent' change, meaning that it does not change the encoded amino acid sequence of the BARD1 protein. This variant is present in population databases (rs730881413, gnomAD 0.002%). This variant has not been reported in the literature in individuals affected with BARD1-related conditions. ClinVar contains an entry for this variant (Variation ID: 182038). Studies have shown that this variant is associated with inconclusive levels of altered splicing (internal data). In summary, the available evidence is currently insufficient to determine the role of this variant in disease. Therefore, it has been classified as a Variant of Uncertain Significance.

GeneDx
Classification: Uncertain significance. Last evaluated: 2024-11-05. Review status: criteria provided, single submitter. Criteria: GeneDx Variant Classification Process June 2021. Collection method: clinical testing. Allele origin: germline. Affected: yes.
Comment: Not observed at significant frequency in large population cohorts (gnomAD); In silico analysis supports a deleterious effect on splicing; Has not been previously published as pathogenic or benign to our knowledge

Myriad Genetics, Inc.
Classification: Benign for Familial cancer of breast. Last evaluated: 2024-07-22. Review status: criteria provided, single submitter. Criteria: Myriad Autosomal Dominant, Autosomal Recessive and X-Linked Classification Criteria (2023). Collection method: clinical testing. Allele origin: unknown.
Comment: This variant is considered benign. This variant is a silent/synonymous amino acid change and it is not expected to impact splicing. This variant is strongly associated with less severe personal and family histories of cancer, typical for individuals without pathogenic variants in this gene [PMID: 25085752].

Quest Diagnostics Nichols Institute San Juan Capistrano
Classification: Uncertain significance. Last evaluated: 2023-05-26. Review status: criteria provided, single submitter. Criteria: Quest Diagnostics criteria. Collection method: clinical testing. Allele origin: unknown.
Comment: This variant has not been reported in the published literature. The frequency of this variant in the general population, 0.000008 (2/250902 chromosomes (Genome Aggregation Database)), is uninformative in the assessment of its pathogenicity. Analysis of this variant using software algorithms for the prediction of the effect of nucleotide changes on BARD1 mRNA splicing yielded predictions that this variant may result in the gain of a cryptic splice site without affecting the natural splice sites. Based on the available information, we are unable to determine the clinical significance of this variant.

Sema4
Classification: Uncertain significance for Hereditary cancer-predisposing syndrome. Last evaluated: 2022-03-05. Review status: criteria provided, single submitter. Criteria: Sema4 Curation Guidelines. Collection method: curation. Allele origin: germline.
Comment: The BARD1 c.465A>G (p.R155=) variant has not been reported in the literature to our knowledge. This variant was observed in 2/113472 chromosomes in the Non-Finnish European population according to the Genome Aggregation Database (PMID: 32461654). The variant has been reported in ClinVar (Variation ID: 182038). The evidence is insufficient to meet ACMG/AMP criteria for classifying the variant as benign or pathogenic. Thus, the clinical significance of this variant is currently uncertain.

St. Jude Molecular Pathology, St. Jude Children's Research Hospital
Classification: Uncertain significance for Hereditary breast ovarian cancer syndrome. Last evaluated: 2021-07-22. Review status: criteria provided, single submitter. Criteria: St. Jude Assertion Criteria 2020. Collection method: clinical testing. Allele origin: germline.
Comment: The BARD1 c.465A>G (p.Arg155=) synonymous change has a maximum subpopulation frequency of 0.0018% in gnomAD v2.1.1 (PM2_supporting). Algorithms that predict the impact of sequence changes on splicing indicate that this change may create or activate a cryptic donor splice site, but RNA studies indicate no splicing effect (internal data). This variant is absent in a database of women older than 70 years of age who have never had cancer. To our knowledge, this variant has not been reported in individuals with HBOC. In summary, this variant meets criteria to be classified as of uncertain significance based on the ACMG/AMP criteria: PM2_supporting.

Illumina Laboratory Services, Illumina
Classification: Uncertain significance for Familial cancer of breast. Last evaluated: 2018-01-13. Review status: criteria provided, single submitter. Criteria: ICSL Variant Classification Criteria 13 December 2019. Collection method: clinical testing. Allele origin: germline.

Color Diagnostics, LLC DBA Color Health
Classification: Likely benign for Hereditary cancer-predisposing syndrome. Last evaluated: 2016-04-01. Review status: criteria provided, single submitter. Criteria: ACMG Guidelines, 2015. Collection method: clinical testing. Allele origin: germline.

Ambry Genetics
Classification: Likely benign for Hereditary cancer-predisposing syndrome. Last evaluated: 2014-07-14. Review status: criteria provided, single submitter. Criteria: Ambry Variant Classification Scheme 2023. Collection method: clinical testing. Allele origin: germline.

Literature cited by the submitters: PubMed 25085752 (cited by Myriad Genetics, Inc.).

NM_000465.4(BARD1):c.465A>G (p.Arg155=)

Gene: BARD1 (BRCA1 associated RING domain 1; minus strand). Cytogenetic location: 2q35.
Variant type: single nucleotide variant.
Coding change: c.465A>G on transcript NM_000465.4 (MANE Select); coding-DNA position 465, A replaced by G.
Protein change: p.Arg155=; no amino-acid change (arginine 155 retained).
Molecular consequence: synonymous variant. On other transcripts: non-coding transcript variant (2), intron variant (3).
Genome position (GRCh38, 1-based): chr2:214,781,409, T>C on the plus strand (A>G on the coding strand, the complement: BARD1 is on the minus strand). VCF-style: chr2-214781409-T-C. GRCh37 (hg19) VCF-style: chr2-215646133-T-C.
Other names: p.R155R:AGA>AGG; c.408A>G, p.Arg136= (NM_001282543.2); c.158+28003A>G (NM_001282548.2); c.215+15652A>G (NM_001282545.2); c.364+10888A>G (NM_001282549.2).
Identifiers: ClinVar variation 182038 (VCV000182038.33), dbSNP rs730881413, ClinGen allele CA298448.
Genomic context (GRCh38, chr2:214,781,409, plus strand): 5'-AGCACTTGCATCTTTTTTTATTGCAGGCTGGGTTTGCACTGAAGCTTTACTCACAACATA[T>C]CTGACTTTCTTACTTCGAGGGCTAAACCACATTTTAATTGAATTCTTCTTGTTTCCTGCA-3'
Protein context (NP_000456.2, residues 145-165): MWFSPRSKKV[Arg155=]YVVSKASVQT